The following is an entry in ClinVar:

ClinVar aggregate classification (germline): Uncertain significance (1 of 4 stars; one submission).

Allele frequency attached by ClinVar (database versions not stated): gnomAD exomes below 0.00001.
gnomAD v4.1: 1 of 1,611,014 alleles (0.000062%); highest among the groups gnomAD compares: Non-Finnish European, 0.000085%; no homozygotes.

Submission:

GeneDx
Classification: Uncertain significance. Last evaluated: 2023-12-04. Review status: criteria provided, single submitter. Criteria: GeneDx Variant Classification Process June 2021. Collection method: clinical testing. Allele origin: germline. Affected: yes.
Comment: Not observed at significant frequency in large population cohorts (gnomAD); In silico analysis supports that this missense variant has a deleterious effect on protein structure/function; Has not been previously published as pathogenic or benign to our knowledge

NM_198503.5(KCNT2):c.2867T>C (p.Ile956Thr)

Gene: KCNT2 (potassium sodium-activated channel subfamily T member 2; minus strand). Cytogenetic location: 1q31.3.
Variant type: single nucleotide variant.
Coding change: c.2867T>C on transcript NM_198503.5 (MANE Select); coding-DNA position 2867, T replaced by C.
Protein change: p.Ile956Thr; replaces isoleucine 956 with threonine.
Molecular consequence: missense variant. On other transcripts: non-coding transcript variant (2).
Genome position (GRCh38, 1-based): chr1:196,280,903, A>G on the plus strand (T>C on the coding strand, the complement: KCNT2 is on the minus strand). VCF-style: chr1-196280903-A-G. GRCh37 (hg19) VCF-style: chr1-196250033-A-G.
Other names: c.2795T>C, p.Ile932Thr (NM_001287819.3); c.2645T>C, p.Ile882Thr (NM_001287820.3); short protein forms I882T, I932T, I956T.
Identifiers: ClinVar variation 3252459 (VCV003252459.1), dbSNP rs2527981182.